The following is an entry in ClinVar:

ClinVar aggregate classification (germline): Uncertain significance. Review status: criteria provided, multiple submitters, no conflicts (2 of 4 stars). 2 submissions from 2 submitters: Uncertain significance (2). Last evaluated 2025-11-24.

Submissions (2):

Labcorp Genetics (formerly Invitae), Labcorp
Classification: Uncertain significance. Last evaluated: 2025-11-24. Review status: criteria provided, single submitter. Criteria: Invitae Variant Classification Sherloc (09022015). Collection method: clinical testing. Allele origin: germline.
Comment: This sequence change replaces methionine, which is neutral and non-polar, with valine, which is neutral and non-polar, at codon 184 of the ELP1 protein (p.Met184Val). This variant is not present in population databases (gnomAD no frequency). This variant has not been reported in the literature in individuals affected with ELP1-related conditions. An algorithm developed to predict the effect of missense changes on protein structure and function outputs the following: PolyPhen-2: "Benign". The valine amino acid residue is found in multiple mammalian species, which suggests that this missense change does not adversely affect protein function. In summary, the available evidence is currently insufficient to determine the role of this variant in disease. Therefore, it has been classified as a Variant of Uncertain Significance.

Mayo Clinic Laboratories, Mayo Clinic
Classification: Uncertain significance. Last evaluated: 2025-01-05. Review status: criteria provided, single submitter. Criteria: ACMG Guidelines, 2015. Collection method: clinical testing. Allele origin: germline. Observed: 1 variant allele.
Comment: BP4

NM_003640.5(ELP1):c.550A>G (p.Met184Val)

Gene: ELP1 (elongator acetyltransferase complex subunit 1; minus strand). Cytogenetic location: 9q31.3.
Variant type: single nucleotide variant.
Coding change: c.550A>G on transcript NM_003640.5 (MANE Select); coding-DNA position 550, A replaced by G.
Protein change: p.Met184Val; replaces methionine 184 with valine.
Molecular consequence: missense variant. On other transcripts: 5 prime UTR variant (1).
Genome position (GRCh38, 1-based): chr9:108,922,844, T>C on the plus strand (A>G on the coding strand, the complement: ELP1 is on the minus strand). VCF-style: chr9-108922844-T-C. GRCh37 (hg19) VCF-style: chr9-111685124-T-C.
Other names: p.Met184Val; c.208A>G, p.Met70Val (NM_001318360.2); c.-310A>G (NM_001330749.2); short protein forms M184V, M70V.
Identifiers: ClinVar variation 4541463 (VCV004541463.2).